The following is an entry in ClinVar:

ClinVar aggregate classification (germline): Likely pathogenic (1 of 4 stars; one submission).

Conditions:
Familial dysautonomia. Also called: HSAN III; FD. Identifiers: Orphanet 1764, MedGen C0013364, MONDO:0009131, OMIM 223900. Disease mechanism: loss of function.

Submission:

Natera, Inc.
Classification: Likely pathogenic for Familial dysautonomia. Last evaluated: 2025-10-07. Review status: criteria provided, single submitter. Criteria: Natera Variant Classification Schema (03/2026). Collection method: clinical testing. Allele origin: germline.
Comment: The c.2215_2216insCAT variant in ELP1 is an in-frame insertion. This variant is expected to result in nonsense mediated decay, truncation, or a dysfunctional protein product. This variant is rare in the general population with a frequency below the threshold expected for the associated phenotype(s). Given the available evidence, this variant is classified as Likely Pathogenic.

NM_003640.5(ELP1):c.2215_2216insCAT (p.Lys739delinsThrTer)

Gene: ELP1 (elongator acetyltransferase complex subunit 1; minus strand). Cytogenetic location: 9q31.3.
Variant type: Insertion.
Coding change: c.2215_2216insCAT on transcript NM_003640.5 (MANE Select); coding-DNA positions 2215 to 2216, CAT inserted.
Protein change: p.Lys739delinsThrTer.
Molecular consequence: nonsense.
Genome position: GRCh38 VCF-style: chr9-108898738-T-TATG. GRCh37 (hg19) VCF-style: chr9-111661018-T-TATG.
Other names: c.1873_1874insCAT, p.Lys625delinsThrTer (NM_001318360.2); c.1168_1169insCAT, p.Lys390delinsThrTer (NM_001330749.2).
Identifiers: ClinVar variation 4815190 (VCV004815190.1).